The following is an entry in ClinVar:

NM_020461.4(TUBGCP6):c.4648G>A (p.Gly1550Arg)

Gene: TUBGCP6 (tubulin gamma complex component 6; minus strand). Cytogenetic location: 22q13.33.
Variant type: single nucleotide variant.
Coding change: c.4648G>A on transcript NM_020461.4 (MANE Select); coding-DNA position 4648, G replaced by A.
Protein change: p.Gly1550Arg; replaces glycine 1550 with arginine.
Molecular consequence: missense variant.
Genome position (GRCh38, 1-based): chr22:50,218,876, C>T on the plus strand (G>A on the coding strand, the complement: TUBGCP6 is on the minus strand). VCF-style: chr22-50218876-C-T. GRCh37 (hg19) VCF-style: chr22-50657305-C-T.
Other names: short protein forms G1550R.
Identifiers: ClinVar variation 1932175 (VCV001932175.7), dbSNP rs753188505, ClinGen allele CA10307390.

ClinVar aggregate classification (germline): Uncertain significance. Review status: criteria provided, multiple submitters, no conflicts (2 of 4 stars). 2 submissions from 2 submitters: Uncertain significance (2). Last evaluated 2025-07-15.

Conditions:
Inborn genetic diseases. Identifiers: MedGen C0950123, MeSH D030342.

Allele frequency attached by ClinVar (database versions not stated): TOPMed below 0.00001; ExAC 0.00003.
gnomAD v4.1: 24 of 1,612,366 alleles (0.0015%); highest among the groups gnomAD compares: South Asian, 0.0099%; no homozygotes.

Submissions (2):

Ambry Genetics
Classification: Uncertain significance for Inborn genetic diseases. Last evaluated: 2025-07-15. Review status: criteria provided, single submitter. Criteria: Ambry Variant Classification Scheme 2023. Collection method: clinical testing. Allele origin: germline.

Labcorp Genetics (formerly Invitae), Labcorp
Classification: Uncertain significance. Last evaluated: 2025-03-17. Review status: criteria provided, single submitter. Criteria: Invitae Variant Classification Sherloc (09022015). Collection method: clinical testing. Allele origin: germline.
Comment: This sequence change replaces glycine, which is neutral and non-polar, with arginine, which is basic and polar, at codon 1550 of the TUBGCP6 protein (p.Gly1550Arg). This variant is present in population databases (rs753188505, gnomAD 0.02%). This variant has not been reported in the literature in individuals affected with TUBGCP6-related conditions. ClinVar contains an entry for this variant (Variation ID: 1932175). An algorithm developed to predict the effect of missense changes on protein structure and function (PolyPhen-2) suggests that this variant is likely to be disruptive. In summary, the available evidence is currently insufficient to determine the role of this variant in disease. Therefore, it has been classified as a Variant of Uncertain Significance.